The following is an entry in ClinVar:

NM_004656.4(BAP1):c.1469A>G (p.Asn490Ser)

Gene: BAP1 (BRCA1 associated deubiquitinase 1; minus strand). Cytogenetic location: 3p21.1.
Variant type: single nucleotide variant.
Coding change: c.1469A>G on transcript NM_004656.4 (MANE Select); coding-DNA position 1469, A replaced by G.
Protein change: p.Asn490Ser; replaces asparagine 490 with serine.
Molecular consequence: missense variant.
Genome position (GRCh38, 1-based): chr3:52,403,676, T>C on the plus strand (A>G on the coding strand, the complement: BAP1 is on the minus strand). VCF-style: chr3-52403676-T-C. GRCh37 (hg19) VCF-style: chr3-52437692-T-C.
Other names: c.1415A>G, p.Asn472Ser (NM_001410772.1); short protein forms N472S, N490S.
Identifiers: ClinVar variation 2565167 (VCV002565167.3), dbSNP rs201302700, ClinGen allele CA74740760.

ClinVar aggregate classification (germline): Uncertain significance. Review status: criteria provided, multiple submitters, no conflicts (2 of 4 stars). 2 submissions from 2 submitters: Uncertain significance (2). Last evaluated 2026-01-04.

Conditions:
Hereditary cancer-predisposing syndrome. Also called: Neoplastic Syndromes, Hereditary; Hereditary Cancer Syndrome; Hereditary neoplastic syndrome; Tumor predisposition. Identifiers: Orphanet 140162, MedGen C0027672, MeSH D009386, MONDO:0015356.
BAP1-related tumor predisposition syndrome (TPDS1). Also called: COMMON Syndrome; TUMOR PREDISPOSITION SYNDROME 1; BAP1 tumor predisposition syndrome; Tumor susceptibility linked to germline BAP1 mutations. Identifiers: Orphanet 289539, MedGen C3280492, MONDO:0013692, OMIM 614327.

Allele frequency attached by ClinVar (database versions not stated): gnomAD 0.00001; 1000 Genomes Project 30x 0.00016; 1000 Genomes Project 0.00020.
gnomAD v4.1: 1 of 1,613,814 alleles (0.000062%); highest among the groups gnomAD compares: East Asian, 0.0022%; no homozygotes.

Submissions (2):

Labcorp Genetics (formerly Invitae), Labcorp
Classification: Uncertain significance for BAP1-related tumor predisposition syndrome. Last evaluated: 2026-01-04. Review status: criteria provided, single submitter. Criteria: Invitae Variant Classification Sherloc (09022015). Collection method: clinical testing. Allele origin: germline.
Comment: This sequence change replaces asparagine, which is neutral and polar, with serine, which is neutral and polar, at codon 490 of the BAP1 protein (p.Asn490Ser). This variant is not present in population databases (gnomAD no frequency). This variant has not been reported in the literature in individuals affected with BAP1-related conditions. ClinVar contains an entry for this variant (Variation ID: 2565167). Invitae Evidence Modeling of protein sequence and biophysical properties (such as structural, functional, and spatial information, amino acid conservation, physicochemical variation, residue mobility, and thermodynamic stability) indicates that this missense variant is not expected to disrupt BAP1 protein function with a negative predictive value of 80%. In summary, the available evidence is currently insufficient to determine the role of this variant in disease. Therefore, it has been classified as a Variant of Uncertain Significance.

Ambry Genetics
Classification: Uncertain significance for Hereditary cancer-predisposing syndrome. Last evaluated: 2023-04-22. Review status: criteria provided, single submitter. Criteria: Ambry Variant Classification Scheme 2023. Collection method: clinical testing. Allele origin: germline.
Comment: The p.N490S variant (also known as c.1469A>G), located in coding exon 13 of the BAP1 gene, results from an A to G substitution at nucleotide position 1469. The asparagine at codon 490 is replaced by serine, an amino acid with highly similar properties. This amino acid position is highly conserved in available vertebrate species. In addition, this alteration is predicted to be tolerated by in silico analysis. Since supporting evidence is limited at this time, the clinical significance of this alteration remains unclear.